The following is an entry in ClinVar:

ClinVar aggregate classification (germline): Conflicting classifications of pathogenicity. Review status: criteria provided, conflicting classifications (1 of 4 stars). 2 submissions from 2 submitters: Uncertain significance (1); Likely benign (1). Last evaluated 2026-02-03.

Conditions:
Hereditary cancer-predisposing syndrome. Also called: Neoplastic Syndromes, Hereditary; Tumor predisposition; Hereditary Cancer Syndrome; Hereditary neoplastic syndrome. Identifiers: Orphanet 140162, MedGen C0027672, MeSH D009386, MONDO:0015356.
Cardiovascular phenotype. Identifiers: MedGen CN230736.

gnomAD v4.1: 5 of 1,566,574 alleles (0.00032%); highest among the groups gnomAD compares: Non-Finnish European, 0.00043%; no homozygotes.

Submissions (2):

Labcorp Genetics (formerly Invitae), Labcorp
Classification: Uncertain significance. Last evaluated: 2026-02-03. Review status: criteria provided, single submitter. Criteria: Invitae Variant Classification Sherloc (09022015). Collection method: clinical testing. Allele origin: germline.
Comment: This sequence change replaces alanine, which is neutral and non-polar, with threonine, which is neutral and polar, at codon 13 of the LZTR1 protein (p.Ala13Thr). This variant is not present in population databases (gnomAD no frequency). This variant has not been reported in the literature in individuals affected with LZTR1-related conditions. ClinVar contains an entry for this variant (Variation ID: 1735046). Invitae Evidence Modeling of protein sequence and biophysical properties (such as structural, functional, and spatial information, amino acid conservation, physicochemical variation, residue mobility, and thermodynamic stability) indicates that this missense variant is not expected to disrupt LZTR1 protein function with a negative predictive value of 95%. In summary, the available evidence is currently insufficient to determine the role of this variant in disease. Therefore, it has been classified as a Variant of Uncertain Significance.

Ambry Genetics
Classification: Likely benign for Cardiovascular phenotype; Hereditary cancer-predisposing syndrome. Last evaluated: 2024-02-13. Review status: criteria provided, single submitter. Criteria: Ambry Variant Classification Scheme 2023. Collection method: clinical testing. Allele origin: germline.

NM_006767.4(LZTR1):c.37G>A (p.Ala13Thr)

Genes: LZTR1 (leucine zipper like post translational regulator 1; plus strand), LOC130067016 (ATAC-STARR-seq lymphoblastoid silent region 13504; plus strand). Cytogenetic location: 22q11.21.
Variant type: single nucleotide variant.
Coding change: c.37G>A on transcript NM_006767.4 (MANE Select); coding-DNA position 37, G replaced by A.
Protein change: p.Ala13Thr; replaces alanine 13 with threonine.
Molecular consequence: missense variant.
Genome position (GRCh38, 1-based): chr22:20,982,408, G>A. VCF-style: chr22-20982408-G-A. GRCh37 (hg19) VCF-style: chr22-21336697-G-A.
Other names: short protein forms A13T.
Identifiers: ClinVar variation 1735046 (VCV001735046.5), dbSNP rs1294976647, ClinGen allele CA410777497.